The following is an entry in ClinVar:

ClinVar aggregate classification (germline): Uncertain significance (1 of 4 stars; one submission).

Conditions:
Renal cell carcinoma. Identifiers: Orphanet 217071, MedGen C0007134, MeSH D002292, MONDO:0005086, HP:0005584.

Submission:

Labcorp Genetics (formerly Invitae), Labcorp
Classification: Uncertain significance for Renal cell carcinoma. Last evaluated: 2020-06-22. Review status: criteria provided, single submitter. Criteria: Invitae Variant Classification Sherloc (09022015). Collection method: clinical testing. Allele origin: germline.
Comment: Algorithms developed to predict the effect of missense changes on protein structure and function are either unavailable or do not agree on the potential impact of this missense change (SIFT: "Tolerated"; PolyPhen-2: "Possibly Damaging"; Align-GVGD: "Class C0"). In summary, the available evidence is currently insufficient to determine the role of this variant in disease. Therefore, it has been classified as a Variant of Uncertain Significance. This variant has not been reported in the literature in individuals with MET-related conditions. This variant is not present in population databases (ExAC no frequency). This sequence change replaces histidine with tyrosine at codon 689 of the MET protein (p.His689Tyr). The histidine residue is moderately conserved and there is a moderate physicochemical difference between histidine and tyrosine.

NM_000245.4(MET):c.2065C>T (p.His689Tyr)

Gene: MET (MET proto-oncogene, receptor tyrosine kinase; plus strand). Cytogenetic location: 7q31.2.
Variant type: single nucleotide variant.
Coding change: c.2065C>T on transcript NM_000245.4 (MANE Select); coding-DNA position 2065, C replaced by T.
Protein change: p.His689Tyr; replaces histidine 689 with tyrosine.
Molecular consequence: missense variant.
Genome position (GRCh38, 1-based): chr7:116,757,737, C>T. VCF-style: chr7-116757737-C-T. GRCh37 (hg19) VCF-style: chr7-116397791-C-T.
Other names: c.2065C>T, p.His689Tyr (NM_001127500.3, NM_001324401.3); c.775C>T, p.His259Tyr (NM_001324402.2); short protein forms H259Y, H689Y.
Identifiers: ClinVar variation 1018416 (VCV001018416.8), dbSNP rs1794244388, ClinGen allele CA368980054.